The following is an entry in ClinVar:

NM_015346.4(ZFYVE26):c.4854C>T (p.Leu1618=)

Gene: ZFYVE26 (zinc finger FYVE-type containing 26; minus strand). Cytogenetic location: 14q24.1.
Variant type: single nucleotide variant.
Coding change: c.4854C>T on transcript NM_015346.4 (MANE Select); coding-DNA position 4854, C replaced by T.
Protein change: p.Leu1618=; no amino-acid change (leucine 1618 retained).
Molecular consequence: synonymous variant.
Genome position (GRCh38, 1-based): chr14:67,777,679, G>A on the plus strand (C>T on the coding strand, the complement: ZFYVE26 is on the minus strand). VCF-style: chr14-67777679-G-A. GRCh37 (hg19) VCF-style: chr14-68244396-G-A.
Other names: p.Leu1618=.
Identifiers: ClinVar variation 392256 (VCV000392256.64), dbSNP rs151287975, ClinGen allele CA7239652.

ClinVar aggregate classification (germline): Conflicting classifications of pathogenicity. Review status: criteria provided, conflicting classifications (1 of 4 stars). 11 submissions from 11 submitters: Uncertain significance (1); Benign (3); Likely benign (5). 2 of the submissions do not count toward it. Last evaluated 2026-09-01.

Conditions:
ZFYVE26-related disorder. Also called: ZFYVE26-related condition.
Spastic paraplegia. Identifiers: MedGen C0037772, HP:0001258.
Hereditary spastic paraplegia. Also called: Familial spastic paraparesis. Identifiers: Orphanet 685, MedGen C0037773, MONDO:0019064. Disease mechanism: loss of function.
Hereditary spastic paraplegia 15 (SPG15). Also called: SPASTIC PARAPLEGIA AND RETINAL DEGENERATION; SPASTIC PARAPLEGIA 15, AUTOSOMAL RECESSIVE; KJELLIN SYNDROME. Identifiers: Orphanet 100996, MedGen C1849128, MONDO:0010044, OMIM 270700.

Allele frequency attached by ClinVar (database versions not stated): 1000 Genomes Project 30x 0.00094; 1000 Genomes Project 0.00100; ExAC 0.00245; gnomAD 0.00245 and 0.00246; gnomAD exomes 0.00245 and 0.00343; TOPMed 0.00274; ESP Exome Variant Server 0.00277.
gnomAD v4.1: 5,371 of 1,614,158 alleles (0.33%); highest among the groups gnomAD compares: Non-Finnish European, 0.4%; 10 homozygotes.

Submissions (11):

CeGaT Center for Human Genetics Tuebingen
Classification: Likely benign. Last evaluated: 2026-09-01. Review status: criteria provided, single submitter. Criteria: CeGaT Center For Human Genetics Tuebingen Variant Classification Criteria Version 2. Collection method: clinical testing. Allele origin: germline. Affected: yes. Observed: 24 variant alleles.
Comment: ZFYVE26: BP4, BP7

Labcorp Genetics (formerly Invitae), Labcorp
Classification: Benign for Spastic paraplegia. Last evaluated: 2026-01-28. Review status: criteria provided, single submitter. Criteria: Invitae Variant Classification Sherloc (09022015). Collection method: clinical testing. Allele origin: germline.

Blueprint Genetics
Classification: Likely benign. Last evaluated: 2024-11-26. Review status: criteria provided, single submitter. Criteria: ACMG Guidelines, 2015. Collection method: clinical testing. Allele origin: germline.

Mayo Clinic Laboratories, Mayo Clinic
Classification: Benign. Last evaluated: 2024-10-22. Review status: criteria provided, single submitter. Criteria: ACMG Guidelines, 2015. Collection method: clinical testing. Allele origin: germline. Observed: 10 variant alleles.
Comment: BS1, BS2, BP4, BP7

Athena Diagnostics
Classification: Benign. Last evaluated: 2024-07-30. Review status: criteria provided, single submitter. Criteria: Athena Diagnostics Criteria. Collection method: clinical testing. Allele origin: unknown.

GeneDx
Classification: Likely benign. Last evaluated: 2021-03-16. Review status: criteria provided, single submitter. Criteria: GeneDx Variant Classification Process June 2021. Collection method: clinical testing. Allele origin: germline. Affected: yes.

Genome Diagnostics Laboratory, The Hospital for Sick Children
Classification: Likely benign for Hereditary spastic paraplegia. Last evaluated: 2020-07-27. Review status: criteria provided, single submitter. Criteria: ACMG Guidelines, 2015. Collection method: clinical testing. Allele origin: germline. Affected: yes.

Illumina Laboratory Services, Illumina
Classification: Uncertain significance for Hereditary spastic paraplegia 15. Last evaluated: 2018-01-13. Review status: criteria provided, single submitter. Criteria: ICSL Variant Classification Criteria 13 December 2019. Collection method: clinical testing. Allele origin: germline.

Clinical Genetics DNA and cytogenetics Diagnostics Lab, Erasmus MC, Erasmus Medical Center
Classification: Likely benign for Hereditary spastic paraplegia 15. Last evaluated: 2017-06-28. Review status: criteria provided, single submitter. Criteria: ACGS Guidelines, 2013. Collection method: clinical testing. Allele origin: germline. Affected: yes. Study: VKGL Data-share Consensus.

PreventionGenetics, part of Exact Sciences
Classification: Likely benign for ZFYVE26-related condition. Last evaluated: 2019-06-18. Review status: no assertion criteria provided. Collection method: clinical testing. Allele origin: germline. Not counted in ClinVar's aggregate classification.
Comment: This variant is classified as likely benign based on ACMG/AMP sequence variant interpretation guidelines (Richards et al. 2015 PMID: 25741868, with internal and published modifications).

Diagnostic Laboratory, Department of Genetics, University Medical Center Groningen
Classification: Likely benign for Hereditary spastic paraplegia 15. Review status: no assertion criteria provided. Collection method: clinical testing. Allele origin: germline. Affected: yes. Study: VKGL Data-share Consensus. Not counted in ClinVar's aggregate classification.